The following is an entry in ClinVar:

ClinVar aggregate classification (germline): Uncertain significance (1 of 4 stars; one submission).

Submission:

GeneDx
Classification: Uncertain significance. Last evaluated: 2022-08-30. Review status: criteria provided, single submitter. Criteria: GeneDx Variant Classification Process June 2021. Collection method: clinical testing. Allele origin: germline. Affected: yes.
Comment: In silico analysis supports that this missense variant has a deleterious effect on protein structure/function; Has not been previously published as pathogenic or benign to our knowledge

NM_001270974.2(HYDIN):c.3475C>T (p.Arg1159Cys)

Gene: HYDIN (HYDIN axonemal central pair apparatus protein; minus strand). Cytogenetic location: 16q22.2.
Variant type: single nucleotide variant.
Coding change: c.3475C>T on transcript NM_001270974.2 (MANE Select); coding-DNA position 3475, C replaced by T.
Protein change: p.Arg1159Cys; replaces arginine 1159 with cysteine.
Molecular consequence: missense variant.
Genome position (GRCh38, 1-based): chr16:71,018,298, G>A on the plus strand (C>T on the coding strand, the complement: HYDIN is on the minus strand). VCF-style: chr16-71018298-G-A. GRCh37 (hg19) VCF-style: chr16-71052201-G-A.
Other names: short protein forms R1159C.
Identifiers: ClinVar variation 2442498 (VCV002442498.1), dbSNP rs1434337902, ClinGen allele CA396622300.